The following is an entry in ClinVar:

NM_177550.5(SLC13A5):c.368+1G>A

Gene: SLC13A5 (solute carrier family 13 member 5; minus strand). Cytogenetic location: 17p13.1.
Variant type: single nucleotide variant.
Coding change: c.368+1G>A on transcript NM_177550.5 (MANE Select); the canonical splice donor site of the intron after coding-DNA position 368, G replaced by A.
Molecular consequence: splice donor variant.
Genome position (GRCh38, 1-based): chr17:6,706,641, C>T on the plus strand (G>A on the coding strand, the complement: SLC13A5 is on the minus strand). VCF-style: chr17-6706641-C-T. GRCh37 (hg19) VCF-style: chr17-6609960-C-T.
Other names: c.239+1G>A (NM_001284510.2); c.368+1G>A (NM_001284509.2, NM_001143838.3).
Identifiers: ClinVar variation 3256781 (VCV003256781.1).

ClinVar aggregate classification (germline): Likely pathogenic (0 of 4 stars; one submission).

Conditions:
Developmental and epileptic encephalopathy, 25 (DEE25). Also called: Epileptic encephalopathy, early infantile, 25; Developmental and epileptic encephalopathy 25, with amelogenesis imperfecta; Epileptic encephalopathy, early infantile, 25, with amelogenesis imperfecta. Identifiers: Orphanet 442835, MedGen C4014621, MONDO:0014392, OMIM 615905.

Submission:

Solve-RD Consortium
Classification: Likely pathogenic for Developmental and epileptic encephalopathy, 25. Last evaluated: 2022-06-01. Review status: no assertion criteria provided. Collection method: provider interpretation. Allele origin: inherited. Affected: yes.
Comment: Variant confirmed as disease-causing by referring clinical team

Variant identified during reanalysis of unsolved cases by the Solve-RD project. The Solve-RD project has received funding from the European Union’s Horizon 2020 research and innovation programme under grant agreement No 779257.

Literature cited by the submitters: PubMed 39825153.